The following is an entry in ClinVar:

ClinVar aggregate classification (germline): Pathogenic (1 of 4 stars; one submission).

Conditions:
Mucopolysaccharidosis, MPS-IV-A (MPS4A). Also called: Mucopolysaccharidosis type IV A; Mucopolysaccharidosis Type IVA; Morquio syndrome A, mild; MORQUIO SYNDROME A; MPS IVA; mucopolysaccharidosis type 4A. Identifiers: Orphanet 309297, Orphanet 582, MedGen C0086651, MONDO:0009659, OMIM 253000.

Allele frequency attached by ClinVar (database versions not stated): gnomAD exomes below 0.00001.
gnomAD v4.1: 1 of 1,543,264 alleles (0.000065%); highest among the groups gnomAD compares: South Asian, 0.0012%; no homozygotes.

Submission:

Laboratory of Diagnosis and Therapy of Lysosomal Disorders, University of Padova
Classification: Pathogenic for Mucopolysaccharidosis, MPS-IV-A. Last evaluated: 2021-02-01. Review status: criteria provided, single submitter. Criteria: ACMG Guidelines, 2015. Collection method: curation. Allele origin: germline. Affected: yes.
Comment: Nonsense variant (PVS1_very strong); in vivo functional studies supportive of a damaging effect on the gene product (low to null enzymatic activity in homozygotes; PS3_supporting); absent from gnomAD v2.1.1 (PM2_moderate)

Literature cited by the submitters: PubMed 26147980; PubMed 34387910.

NM_000512.5(GALNS):c.85C>T (p.Gln29Ter)

Genes: TRAPPC2L (trafficking protein particle complex subunit 2L; plus strand), GALNS (galactosamine (N-acetyl)-6-sulfatase; minus strand), LOC130059762 (ATAC-STARR-seq lymphoblastoid silent region 7883; plus strand). Cytogenetic location: 16q24.3.
Variant type: single nucleotide variant.
Coding change: c.85C>T on transcript NM_000512.5 (MANE Select); coding-DNA position 85, C replaced by T.
Protein change: p.Gln29Ter; replaces glutamine 29 with a stop codon.
Molecular consequence: nonsense. On other transcripts: 5 prime UTR variant (2).
Genome position (GRCh38, 1-based): chr16:88,856,793, G>A on the plus strand (C>T on the coding strand, the complement: GALNS is on the minus strand). VCF-style: chr16-88856793-G-A. GRCh37 (hg19) VCF-style: chr16-88923201-G-A.
Other names: c.-347C>T (NM_001323543.2); c.-68C>T (NM_001323544.2); short protein forms Q29*.
Identifiers: ClinVar variation 1048253 (VCV001048253.3), dbSNP rs1287332192, ClinGen allele CA397101235.